The following is an entry in ClinVar:

ClinVar aggregate classification (germline): Uncertain significance (1 of 4 stars; one submission).

Conditions:
Beta-D-mannosidosis (MANSB). Also called: MANNOSIDOSIS, BETA A, LYSOSOMAL; BETA-MANNOSIDASE DEFICIENCY; LYSOSOMAL BETA-MANNOSIDASE DEFICIENCY; Beta-Mannosidosis. Identifiers: Orphanet 118, MedGen C4048196, MONDO:0009562, OMIM 248510.

Allele frequency attached by ClinVar (database versions not stated): ExAC 0.00002; gnomAD exomes 0.00001.
gnomAD v4.1: 6 of 1,610,754 alleles (0.00037%); highest among the groups gnomAD compares: South Asian, 0.0055%; no homozygotes.

Submission:

Labcorp Genetics (formerly Invitae), Labcorp
Classification: Uncertain significance for Beta-D-mannosidosis. Last evaluated: 2024-02-24. Review status: criteria provided, single submitter. Criteria: Invitae Variant Classification Sherloc (09022015). Collection method: clinical testing. Allele origin: germline.
Comment: This sequence change replaces lysine, which is basic and polar, with glutamic acid, which is acidic and polar, at codon 353 of the MANBA protein (p.Lys353Glu). This variant is present in population databases (rs779705524, gnomAD 0.006%). This variant has not been reported in the literature in individuals affected with MANBA-related conditions. ClinVar contains an entry for this variant (Variation ID: 1441116). Advanced modeling of protein sequence and biophysical properties (such as structural, functional, and spatial information, amino acid conservation, physicochemical variation, residue mobility, and thermodynamic stability) performed at Invitae indicates that this missense variant is expected to disrupt MANBA protein function with a positive predictive value of 80%. In summary, the available evidence is currently insufficient to determine the role of this variant in disease. Therefore, it has been classified as a Variant of Uncertain Significance.

NM_005908.4(MANBA):c.1057A>G (p.Lys353Glu)

Gene: MANBA (mannosidase beta; minus strand). Cytogenetic location: 4q24.
Variant type: single nucleotide variant.
Coding change: c.1057A>G on transcript NM_005908.4 (MANE Select); coding-DNA position 1057, A replaced by G.
Protein change: p.Lys353Glu; replaces lysine 353 with glutamic acid.
Molecular consequence: missense variant.
Genome position (GRCh38, 1-based): chr4:102,673,974, T>C on the plus strand (A>G on the coding strand, the complement: MANBA is on the minus strand). VCF-style: chr4-102673974-T-C. GRCh37 (hg19) VCF-style: chr4-103595131-T-C.
Other names: short protein forms K353E.
Identifiers: ClinVar variation 1441116 (VCV001441116.6), dbSNP rs779705524, ClinGen allele CA3027028.